The following is an entry in ClinVar:

NM_000278.5(PAX2):c.1021+210A>G

Gene: PAX2 (paired box 2; plus strand). Cytogenetic location: 10q24.31.
Variant type: single nucleotide variant.
Coding change: c.1021+210A>G on transcript NM_000278.5 (MANE Select); 210 bases into the intron after coding-DNA position 1021, A replaced by G.
Molecular consequence: intron variant. On other transcripts: missense variant (1).
Genome position (GRCh38, 1-based): chr10:100,824,959, A>G. VCF-style: chr10-100824959-A-G. GRCh37 (hg19) VCF-style: chr10-102584716-A-G.
Other names: c.1079A>G, p.Glu360Gly (NM_003988.5); c.1114+210A>G (NM_001304569.2); c.1090+210A>G (NM_003987.5, NM_003990.5); c.1021+210A>G (NM_003989.5); short protein forms E360G.
Identifiers: ClinVar variation 2127614 (VCV002127614.4), dbSNP rs1009972969, ClinGen allele CA213071714.

ClinVar aggregate classification (germline): Uncertain significance (1 of 4 stars; one submission).

Conditions:
Focal segmental glomerulosclerosis 7 (FSGS7). Identifiers: Orphanet 656, MedGen C4014925, MONDO:0014451, OMIM 616002.
Renal coloboma syndrome (PAPRS). Also called: PAPILLORENAL SYNDROME WITH MILD OCULAR ABNORMALITIES; CONGENITAL ANOMALIES OF THE KIDNEY AND URINARY TRACT WITH OR WITHOUT OCULAR ABNORMALITIES; CAKUT WITH OR WITHOUT OCULAR ABNORMALITIES; COLOBOMA OF OPTIC NERVE WITH RENAL DISEASE; OPTIC COLOBOMA, VESICOURETERAL REFLUX, AND RENAL ANOMALIES; OPTIC NERVE COLOBOMA WITH RENAL DISEASE. Identifiers: Orphanet 1475, MedGen C1852759, MONDO:0007352, OMIM 120330.

Submission:

Labcorp Genetics (formerly Invitae), Labcorp
Classification: Uncertain significance for Renal coloboma syndrome; Focal segmental glomerulosclerosis 7. Last evaluated: 2022-04-18. Review status: criteria provided, single submitter. Criteria: Invitae Variant Classification Sherloc (09022015). Collection method: clinical testing. Allele origin: germline.
Comment: In summary, the available evidence is currently insufficient to determine the role of this variant in disease. Therefore, it has been classified as a Variant of Uncertain Significance. Experimental studies and prediction algorithms are not available or were not evaluated, and the functional significance of this variant is currently unknown. This variant has not been reported in the literature in individuals affected with PAX2-related conditions. This variant is not present in population databases (gnomAD no frequency). This sequence change replaces glutamic acid, which is acidic and polar, with glycine, which is neutral and non-polar, at codon 360 of the PAX2 protein (p.Glu360Gly).